The following is an entry in ClinVar:

NM_024312.5(GNPTAB):c.280C>T (p.Gln94Ter)

Gene: GNPTAB (N-acetylglucosamine-1-phosphate transferase subunits alpha and beta; minus strand). Cytogenetic location: 12q23.2.
Variant type: single nucleotide variant.
Coding change: c.280C>T on transcript NM_024312.5 (MANE Select); coding-DNA position 280, C replaced by T.
Protein change: p.Gln94Ter; replaces glutamine 94 with a stop codon.
Molecular consequence: nonsense.
Genome position (GRCh38, 1-based): chr12:101,789,981, G>A on the plus strand (C>T on the coding strand, the complement: GNPTAB is on the minus strand). VCF-style: chr12-101789981-G-A. GRCh37 (hg19) VCF-style: chr12-102183759-G-A.
Other names: c.280C>T (NM_024312.4); short protein forms Q94*.
Identifiers: ClinVar variation 1398708 (VCV001398708.7), dbSNP rs1391863896, ClinGen allele CA386305429.

ClinVar aggregate classification (germline): Pathogenic/Likely pathogenic. Review status: criteria provided, multiple submitters, no conflicts (2 of 4 stars). 2 submissions from 2 submitters: Pathogenic (1); Likely pathogenic (1). Last evaluated 2025-06-19.

Conditions:
Pseudo-Hurler polydystrophy. Also called: ML III; ML III ALPHA/BETA; MUCOLIPIDOSIS IIIA; Type III Mucolipidosis; ML IIIA; Mucolipidosis III Alpha/Beta. Identifiers: Orphanet 423461, Orphanet 577, MedGen C0033788, MONDO:0018931, OMIM 252600.
Mucolipidosis type II. Also called: ML II ALPHA/BETA; Mucolipidosis 2; ML 2; Inclusion cell disease; Leroy Disease; N-acetylglucosamine 1phosphotransferase deficiency. Identifiers: Orphanet 576, MedGen C2673377, MONDO:0009650, OMIM 252500.

Allele frequency attached by ClinVar (database versions not stated): gnomAD exomes below 0.00001.
gnomAD v4.1: 2 of 1,614,116 alleles (0.00012%); no homozygotes.

Submissions (2):

Natera, Inc.
Classification: Likely pathogenic for Mucolipidosis type II. Last evaluated: 2025-06-19. Review status: criteria provided, single submitter. Criteria: Natera Variant Classification Schema (03/2026). Collection method: clinical testing. Allele origin: germline.
Comment: The c.280C>T variant in GNPTAB is a nonsense variant predicted to introduce a stop codon at amino acid 94. This variant is expected to result in nonsense mediated decay, truncation, or a dysfunctional protein product. This variant is rare in the general population with a frequency below the threshold expected for the associated phenotype(s). Given the available evidence, this variant is classified as Likely Pathogenic.

Labcorp Genetics (formerly Invitae), Labcorp
Classification: Pathogenic for Pseudo-Hurler polydystrophy; Mucolipidosis type II. Last evaluated: 2023-07-07. Review status: criteria provided, single submitter. Criteria: Invitae Variant Classification Sherloc (09022015). Collection method: clinical testing. Allele origin: germline.
Comment: This variant has not been reported in the literature in individuals affected with GNPTAB-related conditions. This sequence change creates a premature translational stop signal (p.Gln94*) in the GNPTAB gene. It is expected to result in an absent or disrupted protein product. Loss-of-function variants in GNPTAB are known to be pathogenic (PMID: 19617216, 25107912). This variant is present in population databases (no rsID available, gnomAD 0.004%). ClinVar contains an entry for this variant (Variation ID: 1398708). For these reasons, this variant has been classified as Pathogenic.

Literature cited by the submitters: PubMed 19617216 (cited by Labcorp Genetics (formerly Invitae), Labcorp); PubMed 25107912 (cited by Labcorp Genetics (formerly Invitae), Labcorp).